The following is an entry in ClinVar:

NM_032634.4(PIGO):c.604dup (p.Arg202fs)

Gene: PIGO (phosphatidylinositol glycan anchor biosynthesis class O; minus strand). Cytogenetic location: 9p13.3.
Variant type: Duplication.
Coding change: c.604dup on transcript NM_032634.4 (MANE Select); coding-DNA position 604, one base duplicated (A; older notation c.604dupA).
Protein change: p.Arg202fs; shifts the reading frame from arginine 202.
Molecular consequence: frameshift variant.
Genome position (GRCh38, 1-based): chr9:35,094,267, T duplicated on the plus strand (A on the coding strand, the reverse complement: PIGO is on the minus strand). VCF-style (leftmost placement, unchanged base first): chr9-35094266-C-CT. GRCh37 (hg19) VCF-style: chr9-35094263-C-CT.
Other names: c.604dup, p.Arg202fs (NM_001201484.2, NM_152850.4); short protein forms R202fs.
Identifiers: ClinVar variation 5007443 (VCV005007443.2).

ClinVar aggregate classification (germline): Likely pathogenic (1 of 4 stars; one submission).

Conditions:
Hyperphosphatasia with impaired intellectual development syndrome 2. Also called: GLYCOSYLPHOSPHATIDYLINOSITOL BIOSYNTHESIS DEFECT 6; Hyperphosphatasia with intellectual disability syndrome 2. Identifiers: Orphanet 247262, MedGen C3553637, MONDO:0013882, OMIM 614749.

Submission:

Juno Genomics, Hangzhou Juno Genomics, Inc
Classification: Likely pathogenic for Hyperphosphatasia with impaired intellectual development syndrome 2. Review status: criteria provided, single submitter. Criteria: ACMG Guidelines, 2015. Collection method: clinical testing. Allele origin: germline.
Comment: Null variant in a gene where loss of function (LOF) is a known mechanism of disease.;Absent from controls (or at extremely low frequency if recessive) in Genome Aggregation Database.